The following is an entry in ClinVar:

ClinVar aggregate classification (germline): Uncertain significance. Review status: criteria provided, multiple submitters, no conflicts (2 of 4 stars). 2 submissions from 2 submitters: Uncertain significance (2). Last evaluated 2025-10-02.

Conditions:
Colorectal cancer, hereditary nonpolyposis, type 7. Identifiers: Orphanet 144, MedGen C1858380, MONDO:0013725, OMIM 614385.

Allele frequency attached by ClinVar (database versions not stated): gnomAD exomes below 0.00001; TOPMed below 0.00001.
gnomAD v4.1: 1 of 1,614,040 alleles (0.000062%); highest among the groups gnomAD compares: Admixed American, 0.0017%; no homozygotes.

Submissions (2):

Ambry Genetics
Classification: Uncertain significance. Last evaluated: 2025-10-02. Review status: criteria provided, single submitter. Criteria: Ambry Variant Classification Scheme 2023. Collection method: clinical testing. Allele origin: germline.

Labcorp Genetics (formerly Invitae), Labcorp
Classification: Uncertain significance for Colorectal cancer, hereditary nonpolyposis, type 7. Last evaluated: 2024-11-18. Review status: criteria provided, single submitter. Criteria: Invitae Variant Classification Sherloc (09022015). Collection method: clinical testing. Allele origin: germline.
Comment: This sequence change replaces phenylalanine, which is neutral and non-polar, with leucine, which is neutral and non-polar, at codon 736 of the MLH3 protein (p.Phe736Leu). This variant is present in population databases (no rsID available, gnomAD 0.006%). This variant has not been reported in the literature in individuals affected with MLH3-related conditions. ClinVar contains an entry for this variant (Variation ID: 1787712). An algorithm developed to predict the effect of missense changes on protein structure and function outputs the following: PolyPhen-2: "Benign". The leucine amino acid residue is found in multiple mammalian species, which suggests that this missense change does not adversely affect protein function. In summary, the available evidence is currently insufficient to determine the role of this variant in disease. Therefore, it has been classified as a Variant of Uncertain Significance.

NM_001040108.2(MLH3):c.2208C>A (p.Phe736Leu)

Gene: MLH3 (mutL homolog 3; minus strand). Cytogenetic location: 14q24.3.
Variant type: single nucleotide variant.
Coding change: c.2208C>A on transcript NM_001040108.2 (MANE Select); coding-DNA position 2208, C replaced by A.
Protein change: p.Phe736Leu; replaces phenylalanine 736 with leucine.
Molecular consequence: missense variant.
Genome position (GRCh38, 1-based): chr14:75,047,448, G>T on the plus strand (C>A on the coding strand, the complement: MLH3 is on the minus strand). VCF-style: chr14-75047448-G-T. GRCh37 (hg19) VCF-style: chr14-75514151-G-T.
Other names: c.2208C>A, p.Phe736Leu (NM_014381.3); short protein forms F736L.
Identifiers: ClinVar variation 1787712 (VCV001787712.10), dbSNP rs1339164188, ClinGen allele CA390441207.